The following is an entry in ClinVar:

ClinVar aggregate classification (germline): Uncertain significance (1 of 4 stars; one submission).

Conditions:
Xeroderma pigmentosum, group F (XPF). Also called: XERODERMA PIGMENTOSUM, COMPLEMENTATION GROUP F; XERODERMA PIGMENTOSUM VI; XP, GROUP F; ERCC4-Related Xeroderma Pigmentosum; XERODERMA PIGMENTOSUM, TYPE F; Xeroderma pigmentosum, type 6. Identifiers: MedGen C0268140, MONDO:0010215, OMIM 278760.
Fanconi anemia complementation group Q. Identifiers: Orphanet 84, MedGen C3808988, MONDO:0014108, OMIM 615272.
Cockayne syndrome. Identifiers: Orphanet 191, MedGen C0009207, MONDO:0016006.

Submission:

Labcorp Genetics (formerly Invitae), Labcorp
Classification: Uncertain significance for Fanconi anemia complementation group Q; Xeroderma pigmentosum, group F; Cockayne syndrome. Last evaluated: 2024-09-04. Review status: criteria provided, single submitter. Criteria: Invitae Variant Classification Sherloc (09022015). Collection method: clinical testing. Allele origin: germline.
Comment: This sequence change replaces methionine, which is neutral and non-polar, with lysine, which is basic and polar, at codon 748 of the ERCC4 protein (p.Met748Lys). This variant is not present in population databases (gnomAD no frequency). This variant has not been reported in the literature in individuals affected with ERCC4-related conditions. Invitae Evidence Modeling of protein sequence and biophysical properties (such as structural, functional, and spatial information, amino acid conservation, physicochemical variation, residue mobility, and thermodynamic stability) indicates that this missense variant is expected to disrupt ERCC4 protein function with a positive predictive value of 80%. In summary, the available evidence is currently insufficient to determine the role of this variant in disease. Therefore, it has been classified as a Variant of Uncertain Significance.

NM_005236.3(ERCC4):c.2243T>A (p.Met748Lys)

Gene: ERCC4 (ERCC excision repair 4, endonuclease catalytic subunit; plus strand). Cytogenetic location: 16p13.12.
Variant type: single nucleotide variant.
Coding change: c.2243T>A on transcript NM_005236.3 (MANE Select); coding-DNA position 2243, T replaced by A.
Protein change: p.Met748Lys; replaces methionine 748 with lysine.
Molecular consequence: missense variant.
Genome position (GRCh38, 1-based): chr16:13,947,839, T>A. VCF-style: chr16-13947839-T-A. GRCh37 (hg19) VCF-style: chr16-14041696-T-A.
Other names: short protein forms M748K.
Identifiers: ClinVar variation 3752640 (VCV003752640.2).